The following is an entry in ClinVar:

ClinVar aggregate classification (germline): Uncertain significance (1 of 4 stars; one submission).

Allele frequency attached by ClinVar (database versions not stated): gnomAD exomes below 0.00001.
gnomAD v4.1: 1 of 1,614,160 alleles (0.000062%); highest among the groups gnomAD compares: Non-Finnish European, 0.000085%; no homozygotes.

Submission:

Labcorp Genetics (formerly Invitae), Labcorp
Classification: Uncertain significance. Last evaluated: 2022-03-13. Review status: criteria provided, single submitter. Criteria: Invitae Variant Classification Sherloc (09022015). Collection method: clinical testing. Allele origin: germline.
Comment: Algorithms developed to predict the effect of missense changes on protein structure and function are either unavailable or do not agree on the potential impact of this missense change (SIFT: "Deleterious"; PolyPhen-2: "Benign"; Align-GVGD: "Class C0"). This variant has not been reported in the literature in individuals affected with AUTS2-related conditions. This variant is not present in population databases (gnomAD no frequency). This sequence change replaces proline, which is neutral and non-polar, with histidine, which is basic and polar, at codon 552 of the AUTS2 protein (p.Pro552His). In summary, the available evidence is currently insufficient to determine the role of this variant in disease. Therefore, it has been classified as a Variant of Uncertain Significance.

NM_015570.4(AUTS2):c.1655C>A (p.Pro552His)

Gene: AUTS2 (activator of transcription and developmental regulator AUTS2; plus strand). Cytogenetic location: 7q11.22.
Variant type: single nucleotide variant.
Coding change: c.1655C>A on transcript NM_015570.4 (MANE Select); coding-DNA position 1655, C replaced by A.
Protein change: p.Pro552His; replaces proline 552 with histidine.
Molecular consequence: missense variant.
Genome position (GRCh38, 1-based): chr7:70,766,300, C>A. VCF-style: chr7-70766300-C-A. GRCh37 (hg19) VCF-style: chr7-70231286-C-A.
Other names: c.1655C>A, p.Pro552His (NM_001127231.3); short protein forms P552H.
Identifiers: ClinVar variation 2111232 (VCV002111232.4), dbSNP rs2484684487, ClinGen allele CA367669055.